The following is an entry in ClinVar:

ClinVar aggregate classification (germline): Uncertain significance. Review status: criteria provided, multiple submitters, no conflicts (2 of 4 stars). 4 submissions from 4 submitters: Uncertain significance (4). Last evaluated 2025-01-17.

Conditions:
Hemolytic anemia due to glucophosphate isomerase deficiency (CNSHA4). Also called: ANEMIA, CONGENITAL, NONSPHEROCYTIC HEMOLYTIC, 4. Identifiers: Orphanet 712, MedGen C0272064, MONDO:0013275, OMIM 613470.
Inborn genetic diseases. Identifiers: MedGen C0950123, MeSH D030342.

gnomAD v4.1: 119 of 1,614,056 alleles (0.0074%); highest among the groups gnomAD compares: Middle Eastern, 0.15%; no homozygotes.

Submissions (4):

ARUP Laboratories, Molecular Genetics and Genomics, ARUP Laboratories
Classification: Uncertain significance for Hemolytic anemia due to glucophosphate isomerase deficiency. Last evaluated: 2025-01-17. Review status: criteria provided, single submitter. Criteria: ARUP Molecular Germline Variant Investigation Process 2024. Collection method: clinical testing. Allele origin: germline.
Comment: The GPI c.1431T>G; p.Ile477Met variant (rs543065808), to our knowledge, is not reported in the medical literature but is reported in ClinVar (Variation ID: 2395597). This variant is found in the general population with an overall allele frequency of 0.01% (24/251496 alleles) in the Genome Aggregation Database (v2.1.1). Computational analyses predict that this variant is deleterious (REVEL: 0.76). Due to limited information, the clinical significance of this variant is uncertain at this time.

CeGaT Center for Human Genetics Tuebingen
Classification: Uncertain significance. Last evaluated: 2024-06-01. Review status: criteria provided, single submitter. Criteria: CeGaT Center For Human Genetics Tuebingen Variant Classification Criteria Version 2. Collection method: clinical testing. Allele origin: germline. Affected: yes. Observed: 1 variant allele.
Comment: GPI: PM2

Revvity Omics, Revvity
Classification: Uncertain significance for Hemolytic anemia due to glucophosphate isomerase deficiency. Last evaluated: 2024-05-27. Review status: criteria provided, single submitter. Criteria: ACMG Guidelines, 2015. Collection method: clinical testing. Allele origin: germline.

Ambry Genetics
Classification: Uncertain significance for Inborn genetic diseases. Last evaluated: 2021-04-15. Review status: criteria provided, single submitter. Criteria: Ambry Variant Classification Scheme 2023. Collection method: clinical testing. Allele origin: germline.

NM_000175.5(GPI):c.1431T>G (p.Ile477Met)

Gene: GPI (glucose-6-phosphate isomerase; plus strand). Cytogenetic location: 19q13.11.
Variant type: single nucleotide variant.
Coding change: c.1431T>G on transcript NM_000175.5 (MANE Select); coding-DNA position 1431, T replaced by G.
Protein change: p.Ile477Met; replaces isoleucine 477 with methionine.
Molecular consequence: missense variant.
Genome position (GRCh38, 1-based): chr19:34,399,588, T>G. VCF-style: chr19-34399588-T-G. GRCh37 (hg19) VCF-style: chr19-34890493-T-G.
Other names: c.1464T>G, p.Ile488Met (NM_001184722.1); c.1548T>G, p.Ile516Met (NM_001289789.1); c.1347T>G, p.Ile449Met (NM_001289790.3); c.1431T>G, p.Ile477Met (NM_001329909.1, NM_001329910.1); c.1404T>G, p.Ile468Met (NM_001329911.2); short protein forms I449M, I516M, I488M, I468M, I477M.
Identifiers: ClinVar variation 2395597 (VCV002395597.22), dbSNP rs543065808, ClinGen allele CA9367439.